The following is an entry in ClinVar:

NM_001368894.2(PAX6):c.959-3C>G

Gene: PAX6 (paired box 6; minus strand). Cytogenetic location: 11p13.
Variant type: single nucleotide variant.
Coding change: c.959-3C>G on transcript NM_001368894.2 (MANE Select); 3 bases into the intron before coding-DNA position 959, C replaced by G.
Molecular consequence: intron variant.
Genome position (GRCh38, 1-based): chr11:31,793,556, G>C on the plus strand (C>G on the coding strand, the complement: PAX6 is on the minus strand). VCF-style: chr11-31793556-G-C. GRCh37 (hg19) VCF-style: chr11-31815104-G-C.
Other names: c.992-3C>G (NM_001368920.2); c.1034-3C>G (NM_001368918.2, NM_001368919.2); c.917-3C>G (NM_001368889.2, NM_001127612.3, NM_001368890.2 and 10 more transcripts); c.758-3C>G (NM_001368927.2, NM_001368921.2, NM_001368923.2 and 4 more transcripts); c.959-3C>G (NM_001258462.3, NM_001368912.2, NM_001310158.2 and 6 more transcripts); c.1160-3C>G (NM_001368910.2); c.509-3C>G (NM_001368909.2, NM_001368904.2, NM_001368905.2 and 11 more transcripts); c.962-3C>G (NM_001368911.2); and 2 more.
Identifiers: ClinVar variation 390567 (VCV000390567.7), dbSNP rs1057523821, ClinGen allele CA16606306.

ClinVar aggregate classification (germline): Pathogenic/Likely pathogenic. Review status: criteria provided, multiple submitters, no conflicts (2 of 4 stars). 2 submissions from 2 submitters: Pathogenic (1); Likely pathogenic (1). Last evaluated 2021-11-22.

Conditions:
Aniridia 1 (AN1). Identifiers: Orphanet 250923, MedGen C0344542, MONDO:0024507, OMIM 106210.
Irido-corneo-trabecular dysgenesis (ASGD5). Also called: ANTERIOR SEGMENT DYSGENESIS 5. Identifiers: Orphanet 708, MedGen C0344559, MONDO:0011414, OMIM 604229, HP:0000659.

Submissions (2):

Labcorp Genetics (formerly Invitae), Labcorp
Classification: Likely pathogenic for Aniridia 1; Irido-corneo-trabecular dysgenesis. Last evaluated: 2021-11-22. Review status: criteria provided, single submitter. Criteria: Invitae Variant Classification Sherloc (09022015). Collection method: clinical testing. Allele origin: germline.
Comment: Variants that disrupt the consensus splice site are a relatively common cause of aberrant splicing (PMID: 17576681, 9536098). Algorithms developed to predict the effect of sequence changes on RNA splicing suggest that this variant may disrupt the consensus splice site. This sequence change falls in intron 10 of the PAX6 gene. It does not directly change the encoded amino acid sequence of the PAX6 protein. It affects a nucleotide within the consensus splice site. This variant is not present in population databases (gnomAD no frequency). This variant has been observed in individual(s) with PAX6-related conditions (Invitae). In at least one individual the variant was observed to be de novo. ClinVar contains an entry for this variant (Variation ID: 390567). In summary, the currently available evidence indicates that the variant is pathogenic, but additional data are needed to prove that conclusively. Therefore, this variant has been classified as Likely Pathogenic.

GeneDx
Classification: Pathogenic. Last evaluated: 2016-10-25. Review status: criteria provided, single submitter. Criteria: GeneDx Variant Classification (06012015). Collection method: clinical testing. Allele origin: germline. Affected: yes.
Comment: The c.917-3 C>G splice site variant in the PAX6 gene destroys the splice acceptor site in intron 10. It is predicted to cause abnormal gene splicing, either leading to an abnormal message that is subject to nonsense-mediated mRNA decay, or to an abnormal protein product if the message is used for protein translation. The c.917-3 C>G variant was not observed in approximately 6,500 individuals of European and African American ancestry in the NHLBI Exome Sequencing Project, indicating it is not a common benign variant in these populations. Although this pathogenic variant has not been previously reported to our knowledge, we consider it to be pathogenic.

Literature cited by the submitters: PubMed 17576681 (cited by Labcorp Genetics (formerly Invitae), Labcorp); PubMed 9536098 (cited by Labcorp Genetics (formerly Invitae), Labcorp).